The following is an entry in ClinVar:

NM_173500.4(TTBK2):c.1354G>A (p.Glu452Lys)

Gene: TTBK2 (tau tubulin kinase 2; minus strand). Cytogenetic location: 15q15.2.
Variant type: single nucleotide variant.
Coding change: c.1354G>A on transcript NM_173500.4 (MANE Select); coding-DNA position 1354, G replaced by A.
Protein change: p.Glu452Lys; replaces glutamic acid 452 with lysine.
Molecular consequence: missense variant.
Genome position (GRCh38, 1-based): chr15:42,777,086, C>T on the plus strand (G>A on the coding strand, the complement: TTBK2 is on the minus strand). VCF-style: chr15-42777086-C-T. GRCh37 (hg19) VCF-style: chr15-43069284-C-T.
Other names: short protein forms E452K.
Identifiers: ClinVar variation 448748 (VCV000448748.13), dbSNP rs527763642, ClinGen allele CA7516909.

ClinVar aggregate classification (germline): Conflicting classifications of pathogenicity. Review status: criteria provided, conflicting classifications (1 of 4 stars). 5 submissions from 5 submitters: Uncertain significance (1); Benign (1); Likely benign (2). 1 of the submissions does not count toward it. Last evaluated 2026-01-10.

Conditions:
TTBK2-related disorder. Also called: TTBK2-related condition.
Inborn genetic diseases. Identifiers: MedGen C0950123, MeSH D030342.

Allele frequency attached by ClinVar (database versions not stated): gnomAD 0.00006 and 0.00014; TOPMed 0.00008; gnomAD exomes 0.00022 and 0.00037; 1000 Genomes Project 30x 0.00031; ExAC 0.00034; 1000 Genomes Project 0.00040.
gnomAD v4.1: 338 of 1,614,110 alleles (0.021%); highest among the groups gnomAD compares: South Asian, 0.26%; 5 homozygotes.

Submissions (5):

Labcorp Genetics (formerly Invitae), Labcorp
Classification: Likely benign. Last evaluated: 2026-01-10. Review status: criteria provided, single submitter. Criteria: Invitae Variant Classification Sherloc (09022015). Collection method: clinical testing. Allele origin: germline.

Blueprint Genetics
Classification: Likely benign. Last evaluated: 2024-11-13. Review status: criteria provided, single submitter. Criteria: ACMG Guidelines, 2015. Collection method: clinical testing. Allele origin: germline.

Ambry Genetics
Classification: Uncertain significance for Inborn genetic diseases. Last evaluated: 2023-02-06. Review status: criteria provided, single submitter. Criteria: Ambry Variant Classification Scheme 2023. Collection method: clinical testing. Allele origin: germline.

Athena Diagnostics
Classification: Benign. Last evaluated: 2016-12-30. Review status: criteria provided, single submitter. Criteria: Athena Diagnostics Criteria. Collection method: clinical testing. Allele origin: germline.

PreventionGenetics, part of Exact Sciences
Classification: Likely benign for TTBK2-related condition. Last evaluated: 2019-05-13. Review status: no assertion criteria provided. Collection method: clinical testing. Allele origin: germline. Not counted in ClinVar's aggregate classification.
Comment: This variant is classified as likely benign based on ACMG/AMP sequence variant interpretation guidelines (Richards et al. 2015 PMID: 25741868, with internal and published modifications).